The following is an entry in ClinVar:

ClinVar aggregate classification (germline): Conflicting classifications of pathogenicity. Review status: criteria provided, conflicting classifications (1 of 4 stars). 10 submissions from 10 submitters: Likely pathogenic (1); Uncertain significance (8). 1 of the submissions does not count toward it. Last evaluated 2026-06-02.

Conditions:
MASS syndrome (OCTD). Also called: MASS PHENOTYPE; OVERLAP CONNECTIVE TISSUE DISEASE. Identifiers: MedGen C1858556, MONDO:0011431, OMIM 604308.
Weill-Marchesani syndrome 2, dominant. Also called: Weill-Marchesani Syndrome, Autosomal Dominant; FBN1-Related Weill-Marchesani Syndrome. Identifiers: Orphanet 2084, MedGen C1869115, MONDO:0012013, OMIM 608328.
Geleophysic dysplasia 2 (GPHYSD2). Identifiers: Orphanet 2623, MedGen C3280054, MONDO:0013612, OMIM 614185.
Progeroid and marfanoid aspect-lipodystrophy syndrome. Also called: MARFANOID-PROGEROID SYNDROME; MARFAN-PROGEROID-LIPODYSTROPHY SYNDROME; Marfan lipodystrophy syndrome; MARFANOID-PROGEROID-LIPODYSTROPHY SYNDROME. Identifiers: Orphanet 300382, MedGen C4310796, MONDO:0014831, OMIM 616914.
Acromicric dysplasia (ACMICD). Also called: Acromicric skeletal dysplasia. Identifiers: Orphanet 969, MedGen C0265287, MONDO:0007055, OMIM 102370.
Ectopia lentis 1, isolated, autosomal dominant (ECTOL1). Identifiers: Orphanet 1885, MedGen C3541518, MONDO:0007514, OMIM 129600.
Stiff skin syndrome (SSKS). Identifiers: Orphanet 2833, MedGen C1861456, MONDO:0008492, OMIM 184900.
Marfan syndrome (MFS). Also called: FBN1-Related Marfan Syndrome; Marfan syndrome type 1; Marfan's syndrome; MARFAN SYNDROME, TYPE I; Marfan syndrome, classic. Identifiers: Orphanet 284963, Orphanet 558, MedGen C0024796, MONDO:0007947, OMIM 154700.
Coronary artery dissection. Identifiers: MedGen C0340648, HP:0006702.
Marfan syndrome, incomplete.
Familial thoracic aortic aneurysm and aortic dissection (TAAD). Also called: Thoracic aortic aneurysms and dissections. Identifiers: Orphanet 91387, MedGen C4707243, MONDO:0019625.

Allele frequency attached by ClinVar (database versions not stated): ExAC 0.00002; gnomAD exomes 0.00003 and 0.00008; TOPMed 0.00003; gnomAD 0.00007 and 0.00009; ESP Exome Variant Server 0.00008.
gnomAD v4.1: 130 of 1,613,598 alleles (0.0081%); highest among the groups gnomAD compares: Non-Finnish European, 0.011%; no homozygotes.

Submissions (10):

Ambry Genetics
Classification: Uncertain significance for Familial thoracic aortic aneurysm and aortic dissection. Last evaluated: 2026-06-02. Review status: criteria provided, single submitter. Criteria: Ambry Variant Classification Scheme 2023. Collection method: clinical testing. Allele origin: germline.
Comment: The p.R2554W variant (also known as c.7660C>T), located in coding exon 61 of the FBN1 gene, results from a C to T substitution at nucleotide position 7660. The arginine at codon 2554 is replaced by tryptophan, an amino acid with dissimilar properties. This variant was reported in individual(s) with features that may be consistent with Marfan syndrome (Comeglio P et al. Hum Mutat, 2007 Sep;28:928; Grond-Ginsbach C et al. Eur Stroke J, 2017 Jun;2:137-143; external communication). This amino acid position is highly conserved in available vertebrate species. In addition, this alteration is predicted to be deleterious by in silico analysis. Based on the available evidence, the clinical significance of this variant remains unclear.

Women's Health and Genetics/Laboratory Corporation of America, LabCorp
Classification: Uncertain significance. Last evaluated: 2025-11-25. Review status: criteria provided, single submitter. Criteria: LabCorp Variant Classification Summary - May 2015. Collection method: clinical testing. Allele origin: germline.
Comment: Variant summary: FBN1 c.7660C>T (p.Arg2554Trp) results in a non-conservative amino acid change in the encoded protein sequence. Algorithms developed to predict the effect of missense changes on protein structure and function all suggest that this variant is likely to be disruptive. The variant allele was found at a frequency of 2.8e-05 in 250298 control chromosomes. The available data on variant occurrences in the general population are insufficient to allow any conclusion about variant significance. c.7660C>T has been observed in individual(s) affected with Incomplete Marfan syndrome, cervical artery dissection, as well as populational participants (Amendola_2015, Comeglio_2007, Groth_2016, Traenka_2019, Yang_2014). These report(s) do not provide unequivocal conclusions about association of the variant with Aortopathy. To our knowledge, no experimental evidence demonstrating an impact on protein function has been reported. The following publications have been ascertained in the context of this evaluation (PMID: 25637381, 17657824, 25812041, 31903434, 24941995). ClinVar contains an entry for this variant (Variation ID: 161241). Based on the evidence outlined above, the variant was classified as uncertain significance.

Color Diagnostics, LLC DBA Color Health
Classification: Uncertain significance for Familial thoracic aortic aneurysm and aortic dissection. Last evaluated: 2025-09-08. Review status: criteria provided, single submitter. Criteria: ACMG Guidelines, 2015. Collection method: clinical testing. Allele origin: germline.
Comment: This missense variant replaces arginine with tryptophan at codon 2554 of the FBN1 protein. Computational prediction tools indicate that this variant has a deleterious impact on protein structure and function. To our knowledge, functional studies have not been performed for this variant. This variant has been reported in two related individuals affected with cervical artery dissection (PMID: 31008308, 31903434) and in three related individuals affected with atypical Marfan syndrome with major involvement of the cardiovascular system (PMID: 17657824). This variant has been reported in one individual affected with atrioventricular septal heart defect (PMID: 27058611). This variant has also been identified in 9/281700 chromosomes in the general population by the Genome Aggregation Database (gnomAD). The available evidence is insufficient to determine the role of this variant in disease conclusively. Therefore, this variant is classified as a Variant of Uncertain Significance.

Labcorp Genetics (formerly Invitae), Labcorp
Classification: Likely pathogenic for Marfan syndrome; Familial thoracic aortic aneurysm and aortic dissection. Last evaluated: 2025-07-09. Review status: criteria provided, single submitter. Criteria: Invitae Variant Classification Sherloc (09022015). Collection method: clinical testing. Allele origin: germline.
Comment: This sequence change replaces arginine, which is basic and polar, with tryptophan, which is neutral and slightly polar, at codon 2554 of the FBN1 protein (p.Arg2554Trp). This variant is present in population databases (rs369294972, gnomAD 0.006%). This missense change has been observed in individuals with clinical features of Marfan syndrome (PMID: 17657824, 24833718, 31008308, 31903434; internal data). ClinVar contains an entry for this variant (Variation ID: 161241). Invitae Evidence Modeling of protein sequence and biophysical properties (such as structural, functional, and spatial information, amino acid conservation, physicochemical variation, residue mobility, and thermodynamic stability) indicates that this missense variant is expected to disrupt FBN1 protein function with a positive predictive value of 95%. In summary, the currently available evidence indicates that the variant is pathogenic, but additional data are needed to prove that conclusively. Therefore, this variant has been classified as Likely Pathogenic.

GeneDx
Classification: Uncertain significance. Last evaluated: 2025-05-07. Review status: criteria provided, single submitter. Criteria: GeneDx Variant Classification Process June 2021. Collection method: clinical testing. Allele origin: germline. Affected: yes.
Comment: Identified in a patient with incomplete Marfan syndrome and in two relatives with cervical artery dissections in published literature (PMID: 17657824, 31008308); In silico analysis supports that this missense variant has a deleterious effect on protein structure/function; Does not affect a cysteine or calcium-binding residue within an EGF-like domain or a TGF-binding protein domain of the FBN1 gene; cysteine substitutions in the EGF-like domains represent the majority of pathogenic missense changes associated with FBN1-related disorders (PMID: 12938084); This variant is associated with the following publications: (PMID: 24941995, 25812041, 25637381, 25525159, 24833718, 27647783, 31008308, 31903434, 12938084, 17657824, 27058611)

Clinical Genetics Laboratory, Skane University Hospital Lund
Classification: Uncertain significance for Coronary artery dissection. Last evaluated: 2025-03-06. Review status: criteria provided, single submitter. Criteria: ACMG Guidelines, 2015. Collection method: clinical testing. Allele origin: germline. Affected: yes.
Comment: ACMG criteria used: PP3, BS1.

All of Us Research Program, National Institutes of Health
Classification: Uncertain significance for Marfan syndrome. Last evaluated: 2024-06-11. Review status: criteria provided, single submitter. Criteria: ACMG Guidelines, 2015. Collection method: clinical testing. Allele origin: germline. Inheritance: Autosomal dominant inheritance. Observed: 14 variant alleles, 14 heterozygotes.
Comment: This missense variant replaces arginine with tryptophan at codon 2554 of the FBN1 protein. Computational prediction suggests that this variant may have deleterious impact on protein structure and function (internally defined REVEL score threshold >= 0.7, PMID: 27666373). To our knowledge, functional studies have not been performed for this variant. This variant has been reported in two related individuals affected with cervical artery dissection (PMID: 31008308, 31903434) and in three related individuals affected with atypical Marfan syndrome with major involvement of the cardiovascular system (PMID: 17657824). This variant has been reported in an individual affected with atrioventricular septal heart defect (PMID: 27058611). This variant has also been identified in 9/281700 chromosomes in the general population by the Genome Aggregation Database (gnomAD). The available evidence is insufficient to determine the role of this variant in disease conclusively. Therefore, this variant is classified as a Variant of Uncertain Significance.

This study involves interpretation of variants in research participants for the purpose of population health screening. Participant phenotype was not available at the time of variant classification. Additional details can be found in publication PMID: 35346344, PMCID: PMC8962531

Fulgent Genetics
Classification: Uncertain significance for Acromicric dysplasia; Ectopia lentis 1, isolated, autosomal dominant; Marfan syndrome; Stiff skin syndrome; MASS syndrome; Weill-Marchesani syndrome 2, dominant; Geleophysic dysplasia 2; Progeroid and marfanoid aspect-lipodystrophy syndrome. Last evaluated: 2021-09-06. Review status: criteria provided, single submitter. Criteria: ACMG Guidelines, 2015. Collection method: clinical testing. Allele origin: unknown.

CeGaT Center for Human Genetics Tuebingen
Classification: Uncertain significance. Last evaluated: 2018-08-01. Review status: criteria provided, single submitter. Criteria: CeGaT Center For Human Genetics Tuebingen Variant Classification Criteria Version 2. Collection method: clinical testing. Allele origin: germline. Affected: yes. Observed: 1 variant allele.

CSER _CC_NCGL, University of Washington
Classification: Uncertain significance for Marfan syndrome, incomplete. Last evaluated: 2014-06-01. Review status: no assertion criteria provided. Collection method: research. Allele origin: germline. Inheritance: Autosomal dominant inheritance. Study: ESP 6500 variant annotation. Not counted in ClinVar's aggregate classification.
Comment: Variants classified for the Actionable exomic incidental findings in 6503 participants: challenges of variant classification manuscript

Literature cited by the submitters: PubMed 17657824 (cited by 5 submitters); PubMed 31008308 (cited by 4 submitters); PubMed 24941995 (cited by Women's Health and Genetics/Laboratory Corporation of America, LabCorp); PubMed 25637381 (cited by Women's Health and Genetics/Laboratory Corporation of America, LabCorp); PubMed 25812041 (cited by Women's Health and Genetics/Laboratory Corporation of America, LabCorp); PubMed 31903434 (cited by 4 submitters); PubMed 27058611 (cited by Color Diagnostics, LLC DBA Color Health and All of Us Research Program, National Institutes of Health); PubMed 24833718 (cited by Labcorp Genetics (formerly Invitae), Labcorp).

NM_000138.5(FBN1):c.7660C>T (p.Arg2554Trp)

Gene: FBN1 (fibrillin 1; minus strand). Cytogenetic location: 15q21.1.
Variant type: single nucleotide variant.
Coding change: c.7660C>T on transcript NM_000138.5 (MANE Select); coding-DNA position 7660, C replaced by T.
Protein change: p.Arg2554Trp; replaces arginine 2554 with tryptophan.
Molecular consequence: missense variant.
Genome position (GRCh38, 1-based): chr15:48,421,597, G>A on the plus strand (C>T on the coding strand, the complement: FBN1 is on the minus strand). VCF-style: chr15-48421597-G-A. GRCh37 (hg19) VCF-style: chr15-48713794-G-A.
Other names: p.R2554W:CGG>TGG; short protein forms R2554W.
Identifiers: ClinVar variation 161241 (VCV000161241.65), dbSNP rs369294972, ClinGen allele CA017315.
Genomic context (GRCh38, chr15:48,421,597, plus strand): 5'-GCAGCTGAAGTCTCCACCCACCTTCACAGCTGGAGCCGGTCTGATCAAGTGAGAATCCCC[G>A]CTGGCATTCACAGGTGAAGCTTCCAGGAGTGTTCTGGCAAATGCCCTTAGACCCGCACAG-3'
Protein context (NP_000129.3, residues 2544-2564): TPGSFTCECQ[Arg2554Trp]GFSLDQTGSS